The following is an entry in ClinVar:

NM_201384.3(PLEC):c.9162C>T (p.Ala3054=)

Gene: PLEC (plectin; minus strand). Cytogenetic location: 8q24.3.
Variant type: single nucleotide variant.
Coding change: c.9162C>T on transcript NM_201384.3 (MANE Select); coding-DNA position 9162, C replaced by T.
Protein change: p.Ala3054=; no amino-acid change (alanine 3054 retained).
Molecular consequence: synonymous variant.
Genome position (GRCh38, 1-based): chr8:143,920,659, G>A on the plus strand (C>T on the coding strand, the complement: PLEC is on the minus strand). VCF-style: chr8-143920659-G-A. GRCh37 (hg19) VCF-style: chr8-144994827-G-A.
Other names: c.9243C>T, p.Ala3081= (NM_000445.5); c.9120C>T, p.Ala3040= (NM_201378.4); c.9096C>T, p.Ala3032= (NM_201379.3); c.9573C>T, p.Ala3191= (NM_201380.4); c.9066C>T, p.Ala3022= (NM_201381.3); c.9162C>T, p.Ala3054= (NM_201382.4); c.9174C>T, p.Ala3058= (NM_201383.3).
Identifiers: ClinVar variation 756861 (VCV000756861.10), dbSNP rs782644401, ClinGen allele CA4925053.

ClinVar aggregate classification (germline): Likely benign. Review status: criteria provided, multiple submitters, no conflicts (2 of 4 stars). 2 submissions from 2 submitters: Likely benign (2). Last evaluated 2026-02-05.

Conditions:
Epidermolysis bullosa simplex 5B, with muscular dystrophy (EBS5B). Also called: Epidermolysis bullosa simplex with muscular dystrophy; EPIDERMOLYSIS BULLOSA SIMPLEX AND LIMB-GIRDLE MUSCULAR DYSTROPHY. Identifiers: Orphanet 257, MedGen C2931072, MONDO:0009181, OMIM 226670.
Epidermolysis bullosa simplex with nail dystrophy (EBS5D). Identifiers: MedGen C4225309, MONDO:0014661, OMIM 616487.
Autosomal recessive limb-girdle muscular dystrophy type 2Q (LGMDR17). Also called: MUSCULAR DYSTROPHY, LIMB-GIRDLE, AUTOSOMAL RECESSIVE 17. Identifiers: Orphanet 254361, MedGen C3150989, MONDO:0013390, OMIM 613723.
Epidermolysis bullosa simplex 5C, with pyloric atresia (EBS5C). Also called: PLEC-Related Epidermolysis Bullosa with Pyloric Atresia; Epidermolysis bullosa simplex with pyloric atresia; PLEC1-Related Epidermolysis Bullosa with Pyloric Atresia. Identifiers: Orphanet 158684, MedGen C2677349, MONDO:0012807, OMIM 612138.
Epidermolysis bullosa simplex, Ogna type (EBS5A). Also called: Pidermolysis bullosa simplex 5A, Ogna type; EPIDERMOLYSIS BULLOSA SIMPLEX 5A, OGNA TYPE. Identifiers: Orphanet 79401, MedGen C0432317, MONDO:0007555, OMIM 131950.
PLEC-related disorder. Also called: PLEC-related disorders; PLEC-related condition.

Allele frequency attached by ClinVar (database versions not stated): ExAC 0.00001; gnomAD 0.00001 and 0.00002; gnomAD exomes 0.00002; TOPMed 0.00002.
gnomAD v4.1: 22 of 1,604,128 alleles (0.0014%); highest among the groups gnomAD compares: South Asian, 0.0055%; no homozygotes.

Submissions (2):

PreventionGenetics, part of Exact Sciences
Classification: Likely benign for PLEC-related condition. Last evaluated: 2026-02-05. Review status: criteria provided, single submitter. Criteria: ACMG Guidelines, 2015. Collection method: clinical testing. Allele origin: germline.
Comment: This variant is classified as likely benign based on ACMG/AMP sequence variant interpretation guidelines (Richards et al. 2015 PMID: 25741868, with internal and published modifications).

Labcorp Genetics (formerly Invitae), Labcorp
Classification: Likely benign for Autosomal recessive limb-girdle muscular dystrophy type 2Q; Epidermolysis bullosa simplex, Ogna type; Epidermolysis bullosa simplex with nail dystrophy; Epidermolysis bullosa simplex 5C, with pyloric atresia; Epidermolysis bullosa simplex 5B, with muscular dystrophy. Last evaluated: 2022-08-23. Review status: criteria provided, single submitter. Criteria: Invitae Variant Classification Sherloc (09022015). Collection method: clinical testing. Allele origin: germline.